The following is an entry in ClinVar:

ClinVar aggregate classification (germline): Uncertain significance (1 of 4 stars; one submission).

Allele frequency attached by ClinVar (database versions not stated): TOPMed below 0.00001; ExAC 0.00001; gnomAD exomes 0.00001.
gnomAD v4.1: 8 of 1,588,710 alleles (0.0005%); highest among the groups gnomAD compares: Admixed American, 0.0093%; no homozygotes.

Submission:

Labcorp Genetics (formerly Invitae), Labcorp
Classification: Uncertain significance. Last evaluated: 2021-12-27. Review status: criteria provided, single submitter. Criteria: Invitae Variant Classification Sherloc (09022015). Collection method: clinical testing. Allele origin: germline.
Comment: In summary, the available evidence is currently insufficient to determine the role of this variant in disease. Therefore, it has been classified as a Variant of Uncertain Significance. This sequence change falls in intron 5 of the WHSC1 gene. It does not directly change the encoded amino acid sequence of the WHSC1 protein. It affects a nucleotide within the consensus splice site. This variant is present in population databases (rs776356849, gnomAD 0.01%). This variant has not been reported in the literature in individuals affected with WHSC1-related conditions. Variants that disrupt the consensus splice site are a relatively common cause of aberrant splicing (PMID: 17576681, 9536098). Algorithms developed to predict the effect of sequence changes on RNA splicing suggest that this variant is not likely to affect RNA splicing.

Literature cited by the submitters: PubMed 17576681; PubMed 9536098.

NM_001042424.3(NSD2):c.761-3T>C

Gene: NSD2 (nuclear receptor binding SET domain protein 2; plus strand). Cytogenetic location: 4p16.3.
Variant type: single nucleotide variant.
Coding change: c.761-3T>C on transcript NM_001042424.3 (MANE Select); 3 bases into the intron before coding-DNA position 761, T replaced by C.
Molecular consequence: intron variant.
Genome position (GRCh38, 1-based): chr4:1,916,868, T>C. VCF-style: chr4-1916868-T-C. GRCh37 (hg19) VCF-style: chr4-1918595-T-C.
Other names: c.761-3T>C (NM_001440892.1, NM_001440894.1, NM_001440895.1 and 8 more transcripts); c.860-3T>C (NM_001440893.1); c.-209-3T>C (NM_001440900.1, NM_001440899.1).
Identifiers: ClinVar variation 1933296 (VCV001933296.5), dbSNP rs776356849, ClinGen allele CA2811955.
Genomic context (GRCh38, chr4:1,916,868, plus strand): 5'-GATTTGACTAGTTTCATCCCAGATTCTAACTTTCATTCTCTAACATTTTATTTTAAAAAC[T>C]AGGTCAGAAAAAGAGTGCACGCCAGTATCACGTACAGTTCTTTGGTGACGCCCCAGAAAG-3'